The following is an entry in ClinVar:

NM_024422.6(DSC2):c.275G>T (p.Arg92Ile)

Gene: DSC2 (desmocollin 2; minus strand). Cytogenetic location: 18q12.1.
Variant type: single nucleotide variant.
Coding change: c.275G>T on transcript NM_024422.6 (MANE Select); coding-DNA position 275, G replaced by T.
Protein change: p.Arg92Ile; replaces arginine 92 with isoleucine.
Molecular consequence: missense variant. On other transcripts: 5 prime UTR variant (2).
Genome position (GRCh38, 1-based): chr18:31,092,180, C>A on the plus strand (G>T on the coding strand, the complement: DSC2 is on the minus strand). VCF-style: chr18-31092180-C-A. GRCh37 (hg19) VCF-style: chr18-28672143-C-A.
Other names: c.-155G>T (NM_001406506.1, NM_001406507.1); c.275G>T, p.Arg92Ile (NM_004949.5); short protein forms R92I.
Identifiers: ClinVar variation 2450334 (VCV002450334.3), dbSNP rs894057474, ClinGen allele CA402114736.

ClinVar aggregate classification (germline): Uncertain significance. Review status: criteria provided, multiple submitters, no conflicts (2 of 4 stars). 2 submissions from 2 submitters: Uncertain significance (2). Last evaluated 2025-05-08.

Conditions:
Arrhythmogenic right ventricular dysplasia 11. Also called: Arrhythmogenic Right Ventricular Dysplasia/Cardiomyopathy11; ARRHYTHMOGENIC RIGHT VENTRICULAR DYSPLASIA, FAMILIAL, 11; Arrhythmogenic right ventricular dysplasia 11 with mild palmoplantar keratoderma and woolly hair. Identifiers: MedGen C1864850, MONDO:0012506, OMIM 610476.
Cardiovascular phenotype. Identifiers: MedGen CN230736.

Submissions (2):

Labcorp Genetics (formerly Invitae), Labcorp
Classification: Uncertain significance for Arrhythmogenic right ventricular dysplasia 11. Last evaluated: 2025-05-08. Review status: criteria provided, single submitter. Criteria: Invitae Variant Classification Sherloc (09022015). Collection method: clinical testing. Allele origin: germline.
Comment: This sequence change replaces arginine, which is basic and polar, with isoleucine, which is neutral and non-polar, at codon 92 of the DSC2 protein (p.Arg92Ile). This variant is not present in population databases (gnomAD no frequency). This variant has not been reported in the literature in individuals affected with DSC2-related conditions. ClinVar contains an entry for this variant (Variation ID: 2450334). Invitae Evidence Modeling of protein sequence and biophysical properties (such as structural, functional, and spatial information, amino acid conservation, physicochemical variation, residue mobility, and thermodynamic stability) indicates that this missense variant is not expected to disrupt DSC2 protein function with a negative predictive value of 80%. In summary, the available evidence is currently insufficient to determine the role of this variant in disease. Therefore, it has been classified as a Variant of Uncertain Significance.

Ambry Genetics
Classification: Uncertain significance for Cardiovascular phenotype. Last evaluated: 2022-12-01. Review status: criteria provided, single submitter. Criteria: Ambry Variant Classification Scheme 2023. Collection method: clinical testing. Allele origin: germline.
Comment: The p.R92I variant (also known as c.275G>T), located in coding exon 3 of the DSC2 gene, results from a G to T substitution at nucleotide position 275. The arginine at codon 92 is replaced by isoleucine, an amino acid with similar properties. This amino acid position is conserved. In addition, this alteration is predicted to be tolerated by in silico analysis. Since supporting evidence is limited at this time, the clinical significance of this alteration remains unclear.